The following is an entry in ClinVar:

NM_006514.4(SCN10A):c.372C>G (p.Ile124Met)

Gene: SCN10A (sodium voltage-gated channel alpha subunit 10; minus strand). Cytogenetic location: 3p22.2.
Variant type: single nucleotide variant.
Coding change: c.372C>G on transcript NM_006514.4 (MANE Select); coding-DNA position 372, C replaced by G.
Protein change: p.Ile124Met; replaces isoleucine 124 with methionine.
Molecular consequence: missense variant.
Genome position (GRCh38, 1-based): chr3:38,792,067, G>C on the plus strand (C>G on the coding strand, the complement: SCN10A is on the minus strand). VCF-style: chr3-38792067-G-C. GRCh37 (hg19) VCF-style: chr3-38833558-G-C.
Other names: c.372C>G, p.Ile124Met (NM_001293306.2, NM_001293307.2); short protein forms I124M.
Identifiers: ClinVar variation 1306515 (VCV001306515.2), dbSNP rs575521978, ClinGen allele CA352160729.
Genomic context (GRCh38, chr3:38,792,067, plus strand): 5'-GTCTAATTGTAACACGTGGAAGAGGCAATCGTGCAAAGGATATGAGTGGACAGACACTTT[G>C]ATGGCCGTTCTTCTGATCAGGTTGAAAGGACTGAATAGCCACAGGGCCCGAGTGGCACTA-3'
Protein context (NP_006505.4, residues 114-134): SPFNLIRRTA[Ile124Met]KVSVHSWFSL

ClinVar aggregate classification (germline): Uncertain significance (1 of 4 stars; one submission).

gnomAD v4.1: 1 of 1,613,618 alleles (0.000062%); highest among the groups gnomAD compares: Non-Finnish European, 0.000085%; no homozygotes.

Submission:

GeneDx
Classification: Uncertain significance. Last evaluated: 2019-06-14. Review status: criteria provided, single submitter. Criteria: GeneDx Variant Classification Process June 2021. Collection method: clinical testing. Allele origin: germline. Affected: yes.
Comment: Has not been previously published as pathogenic or benign to our knowledge; Not observed in large population cohorts (Lek et al., 2016); In silico analysis, which includes protein predictors and evolutionary conservation, supports a deleterious effect